The following is an entry in ClinVar:

NM_004946.3(DOCK2):c.753G>A (p.Thr251=)

Gene: DOCK2 (dedicator of cytokinesis 2; plus strand). Cytogenetic location: 5q35.1.
Variant type: single nucleotide variant.
Coding change: c.753G>A on transcript NM_004946.3 (MANE Select); coding-DNA position 753, G replaced by A.
Protein change: p.Thr251=; no amino-acid change (threonine 251 retained).
Molecular consequence: synonymous variant. On other transcripts: non-coding transcript variant (1).
Genome position (GRCh38, 1-based): chr5:169,684,342, G>A. VCF-style: chr5-169684342-G-A. GRCh37 (hg19) VCF-style: chr5-169111346-G-A.
Other names: c.753G>A, p.Thr251= (LRG_1227t1).
Identifiers: ClinVar variation 476019 (VCV000476019.14), dbSNP rs146746458, ClinGen allele CA3553236.

ClinVar aggregate classification (germline): Benign. Review status: criteria provided, single submitter (1 of 4 stars). 2 submissions from 2 submitters: Benign (1). 1 of the submissions does not count toward it. Last evaluated 2025-12-19.

Conditions:
DOCK2 deficiency. Also called: Immunodeficiency 40. Identifiers: Orphanet 447737, MedGen C4225328, MONDO:0014637, OMIM 616433.
DOCK2-related disorder. Also called: DOCK2-related condition.

Allele frequency attached by ClinVar (database versions not stated): gnomAD exomes 0.00009 and 0.00027; ExAC 0.00032; 1000 Genomes Project 30x 0.00094; 1000 Genomes Project 0.00100; gnomAD 0.00104 and 0.00113; TOPMed 0.00117; ESP Exome Variant Server 0.00131.
gnomAD v4.1: 299 of 1,614,110 alleles (0.019%); highest among the groups gnomAD compares: African/African-American, 0.34%; no homozygotes.

Submissions (2):

Labcorp Genetics (formerly Invitae), Labcorp
Classification: Benign for DOCK2 deficiency. Last evaluated: 2025-12-19. Review status: criteria provided, single submitter. Criteria: Invitae Variant Classification Sherloc (09022015). Collection method: clinical testing. Allele origin: germline.

PreventionGenetics, part of Exact Sciences
Classification: Likely benign for DOCK2-related condition. Last evaluated: 2024-02-18. Review status: no assertion criteria provided. Collection method: clinical testing. Allele origin: germline. Not counted in ClinVar's aggregate classification.
Comment: This variant is classified as likely benign based on ACMG/AMP sequence variant interpretation guidelines (Richards et al. 2015 PMID: 25741868, with internal and published modifications).